The following is an entry in ClinVar:

ClinVar aggregate classification (germline): Uncertain significance. Review status: criteria provided, single submitter (1 of 4 stars). 2 submissions from 2 submitters: Uncertain significance (1). 1 of the submissions does not count toward it. Last evaluated 2025-03-10.

Conditions:
NRP2-related disorder. Also called: NRP2-related condition.

Allele frequency attached by ClinVar (database versions not stated): gnomAD exomes below 0.00001; TOPMed below 0.00001; ExAC 0.00001.
gnomAD v4.1: 1 of 1,614,074 alleles (0.000062%); highest among the groups gnomAD compares: Non-Finnish European, 0.000085%; no homozygotes.

Submissions (2):

Ambry Genetics
Classification: Uncertain significance. Last evaluated: 2025-03-10. Review status: criteria provided, single submitter. Criteria: Ambry Variant Classification Scheme 2023. Collection method: clinical testing. Allele origin: germline.

PreventionGenetics, part of Exact Sciences
Classification: Uncertain significance for NRP2-related condition. Last evaluated: 2024-01-18. Review status: no assertion criteria provided. Collection method: clinical testing. Allele origin: germline. Not counted in ClinVar's aggregate classification.
Comment: The NRP2 c.2350A>G variant is predicted to result in the amino acid substitution p.Ile784Val. To our knowledge, this variant has not been reported in the literature. This variant is reported in 0.00088% of alleles in individuals of European (Non-Finnish) descent in gnomAD. At this time, the clinical significance of this variant is uncertain due to the absence of conclusive functional and genetic evidence.

NM_003872.3(NRP2):c.2350A>G (p.Ile784Val)

Gene: NRP2 (neuropilin 2; plus strand). Cytogenetic location: 2q33.3.
Variant type: single nucleotide variant.
Coding change: c.2350A>G on transcript NM_003872.3 (MANE Select); coding-DNA position 2350, A replaced by G.
Protein change: p.Ile784Val; replaces isoleucine 784 with valine.
Molecular consequence: missense variant.
Genome position (GRCh38, 1-based): chr2:205,765,516, A>G. VCF-style: chr2-205765516-A-G. GRCh37 (hg19) VCF-style: chr2-206630240-A-G.
Other names: c.2350A>G, p.Ile784Val (NM_018534.4, NM_201266.2, NM_201267.2 and 1 more transcripts); short protein forms I784V.
Identifiers: ClinVar variation 3029727 (VCV003029727.3), dbSNP rs746821393, ClinGen allele CA2069372.